The following is an entry in ClinVar:

NM_001029883.3(PCARE):c.3803G>A (p.Arg1268Gln)

Gene: PCARE (photoreceptor cilium actin regulator; minus strand). Cytogenetic location: 2p23.2.
Variant type: single nucleotide variant.
Coding change: c.3803G>A on transcript NM_001029883.3 (MANE Select); coding-DNA position 3803, G replaced by A.
Protein change: p.Arg1268Gln; replaces arginine 1268 with glutamine.
Molecular consequence: missense variant.
Genome position (GRCh38, 1-based): chr2:29,064,933, C>T on the plus strand (G>A on the coding strand, the complement: PCARE is on the minus strand). VCF-style: chr2-29064933-C-T. GRCh37 (hg19) VCF-style: chr2-29287799-C-T.
Other names: short protein forms R1268Q.
Identifiers: ClinVar variation 1041344 (VCV001041344.7), dbSNP rs376456208, ClinGen allele CA1591825.
Genomic context (GRCh38, chr2:29,064,933, plus strand): 5'-GACACCTCCTCTTGCTGGGGCTGCGCCTCTGGCTGGGATTTGTCCTGGATGTGGCCGGTC[C>T]GAGGCTCCGGTTGCAGCCCGTGGCCCAGCACACAGAACTCTGGGGGAGATGCACGCCTGG-3'
Protein context (NP_001025054.1, residues 1258-1278): VLGHGLQPEP[Arg1268Gln]TGHIQDKSQP

ClinVar aggregate classification (germline): Uncertain significance. Review status: criteria provided, multiple submitters, no conflicts (2 of 4 stars). 2 submissions from 2 submitters: Uncertain significance (2). Last evaluated 2023-12-22.

Allele frequency attached by ClinVar (database versions not stated): ExAC 0.00002; gnomAD 0.00003; gnomAD exomes 0.00004 and 0.00005; TOPMed 0.00004; ESP Exome Variant Server 0.00008.
gnomAD v4.1: 75 of 1,610,736 alleles (0.0047%); highest among the groups gnomAD compares: Middle Eastern, 0.077%; 1 homozygote.

Submissions (2):

Blueprint Genetics
Classification: Uncertain significance. Last evaluated: 2023-12-22. Review status: criteria provided, single submitter. Criteria: ACMG Guidelines, 2015. Collection method: clinical testing. Allele origin: germline.

Labcorp Genetics (formerly Invitae), Labcorp
Classification: Uncertain significance. Last evaluated: 2022-07-06. Review status: criteria provided, single submitter. Criteria: Invitae Variant Classification Sherloc (09022015). Collection method: clinical testing. Allele origin: germline.
Comment: This sequence change replaces arginine, which is basic and polar, with glutamine, which is neutral and polar, at codon 1268 of the PCARE protein (p.Arg1268Gln). This variant is present in population databases (rs376456208, gnomAD 0.006%). This variant has not been reported in the literature in individuals affected with PCARE-related conditions. ClinVar contains an entry for this variant (Variation ID: 1041344). Algorithms developed to predict the effect of missense changes on protein structure and function output the following: SIFT: "Tolerated"; PolyPhen-2: "Benign"; Align-GVGD: "Class C0". The glutamine amino acid residue is found in multiple mammalian species, which suggests that this missense change does not adversely affect protein function. In summary, the available evidence is currently insufficient to determine the role of this variant in disease. Therefore, it has been classified as a Variant of Uncertain Significance.